The following is an entry in ClinVar:

NM_022124.6(CDH23):c.5492T>C (p.Leu1831Pro)

Gene: CDH23 (cadherin related 23; plus strand). Cytogenetic location: 10q22.1.
Variant type: single nucleotide variant.
Coding change: c.5492T>C on transcript NM_022124.6 (MANE Select); coding-DNA position 5492, T replaced by C.
Protein change: p.Leu1831Pro; replaces leucine 1831 with proline.
Molecular consequence: missense variant.
Genome position (GRCh38, 1-based): chr10:71,784,410, T>C. VCF-style: chr10-71784410-T-C. GRCh37 (hg19) VCF-style: chr10-73544167-T-C.
Other names: c.5492T>C (NM_022124.5); short protein forms L1831P.
Identifiers: ClinVar variation 1020325 (VCV001020325.10), dbSNP rs1462887997, ClinGen allele CA377145464.
Genomic context (GRCh38, chr10:71,784,410, plus strand): 5'-GGGAGACCATCGCCTTCTACAACCTGACCATCTGTGCCCGTGACCGGGGGATGCCCCCAC[T>C]CAGCTCCACAGTGAGTCTGGGGGCCCCACCCGCTGGCTTCACCTCGCTGCCCCTGTACTT-3'
Protein context (NP_071407.4, residues 1821-1841): ICARDRGMPP[Leu1831Pro]SSTMLVGIRV

ClinVar aggregate classification (germline): Uncertain significance. Review status: criteria provided, multiple submitters, no conflicts (2 of 4 stars). 2 submissions from 2 submitters: Uncertain significance (2). Last evaluated 2026-02-25.

Conditions:
Inborn genetic diseases. Identifiers: MedGen C0950123, MeSH D030342.

Allele frequency attached by ClinVar (database versions not stated): gnomAD exomes below 0.00001 and 0.00001.
gnomAD v4.1: 7 of 1,613,306 alleles (0.00043%); highest among the groups gnomAD compares: Non-Finnish European, 0.00059%; no homozygotes.

Submissions (2):

Ambry Genetics
Classification: Uncertain significance for Inborn genetic diseases. Last evaluated: 2026-02-25. Review status: criteria provided, single submitter. Criteria: Ambry Variant Classification Scheme 2023. Collection method: clinical testing. Allele origin: germline.

Labcorp Genetics (formerly Invitae), Labcorp
Classification: Uncertain significance. Last evaluated: 2024-02-24. Review status: criteria provided, single submitter. Criteria: Invitae Variant Classification Sherloc (09022015). Collection method: clinical testing. Allele origin: germline.
Comment: This sequence change replaces leucine, which is neutral and non-polar, with proline, which is neutral and non-polar, at codon 1831 of the CDH23 protein (p.Leu1831Pro). This variant is present in population databases (no rsID available, gnomAD 0.0009%). This variant has not been reported in the literature in individuals affected with CDH23-related conditions. ClinVar contains an entry for this variant (Variation ID: 1020325). Advanced modeling of protein sequence and biophysical properties (such as structural, functional, and spatial information, amino acid conservation, physicochemical variation, residue mobility, and thermodynamic stability) performed at Invitae indicates that this missense variant is not expected to disrupt CDH23 protein function with a negative predictive value of 95%. In summary, the available evidence is currently insufficient to determine the role of this variant in disease. Therefore, it has been classified as a Variant of Uncertain Significance.